The following is an entry in ClinVar:

ClinVar aggregate classification (germline): Uncertain significance (1 of 4 stars; one submission).

Submission:

Labcorp Genetics (formerly Invitae), Labcorp
Classification: Uncertain significance. Last evaluated: 2023-01-10. Review status: criteria provided, single submitter. Criteria: Invitae Variant Classification Sherloc (09022015). Collection method: clinical testing. Allele origin: germline.
Comment: Advanced modeling of protein sequence and biophysical properties (such as structural, functional, and spatial information, amino acid conservation, physicochemical variation, residue mobility, and thermodynamic stability) has been performed at Invitae for this missense variant, however the output from this modeling did not meet the statistical confidence thresholds required to predict the impact of this variant on RAI1 protein function. In summary, the available evidence is currently insufficient to determine the role of this variant in disease. Therefore, it has been classified as a Variant of Uncertain Significance. This variant has not been reported in the literature in individuals affected with RAI1-related conditions. This variant is not present in population databases (gnomAD no frequency). This sequence change replaces glutamine, which is neutral and polar, with arginine, which is basic and polar, at codon 245 of the RAI1 protein (p.Gln245Arg).

NM_030665.4(RAI1):c.734A>G (p.Gln245Arg)

Gene: RAI1 (retinoic acid induced 1; plus strand). Cytogenetic location: 17p11.2.
Variant type: single nucleotide variant.
Coding change: c.734A>G on transcript NM_030665.4 (MANE Select); coding-DNA position 734, A replaced by G.
Protein change: p.Gln245Arg; replaces glutamine 245 with arginine.
Molecular consequence: missense variant.
Genome position (GRCh38, 1-based): chr17:17,793,682, A>G. VCF-style: chr17-17793682-A-G. GRCh37 (hg19) VCF-style: chr17-17696996-A-G.
Other names: short protein forms Q245R.
Identifiers: ClinVar variation 1989067 (VCV001989067.4), dbSNP rs2508570816, ClinGen allele CA398546097.
Genomic context (GRCh38, chr17:17,793,682, plus strand): 5'-CTGTCCAGGGTGGTGGGCAGGGGGCCCACTCCTATAAGAGTTGCACAGCACCGACTGCCC[A>G]GCCCCATGACAGGCCGCTGACTGCCAGCTCCAGCCTGGCCCCGGGGCAGCGGGTCCAGAA-3'
Protein context (NP_109590.3, residues 235-255): SYKSCTAPTA[Gln245Arg]PHDRPLTASS